The following is an entry in ClinVar:

NM_001684.5(ATP2B4):c.863G>T (p.Gly288Val)

Gene: ATP2B4 (ATPase plasma membrane Ca2+ transporting 4; plus strand). Cytogenetic location: 1q32.1.
Variant type: single nucleotide variant.
Coding change: c.863G>T on transcript NM_001684.5 (MANE Select); coding-DNA position 863, G replaced by T.
Protein change: p.Gly288Val; replaces glycine 288 with valine.
Molecular consequence: missense variant.
Genome position (GRCh38, 1-based): chr1:203,700,885, G>T. VCF-style: chr1-203700885-G-T. GRCh37 (hg19) VCF-style: chr1-203670013-G-T.
Other names: c.863G>T, p.Gly288Val (NM_001001396.3, NM_001365783.2, NM_001365784.2); short protein forms G288V.
Identifiers: ClinVar variation 705093 (VCV000705093.12), dbSNP rs142206068, ClinGen allele CA1341462.

ClinVar aggregate classification (germline): Benign. Review status: criteria provided, multiple submitters, no conflicts (2 of 4 stars). 3 submissions from 3 submitters: Benign (2). 1 of the submissions does not count toward it. Last evaluated 2026-01-06.

Conditions:
ATP2B4-related disorder. Also called: ATP2B4-related condition.

Allele frequency attached by ClinVar (database versions not stated): ESP Exome Variant Server 0.00008; TOPMed 0.00094; 1000 Genomes Project 30x 0.00390; gnomAD 0.00391 and 0.00398; 1000 Genomes Project 0.00399.
gnomAD v4.1: 3,232 of 1,613,582 alleles (0.2%); highest among the groups gnomAD compares: East Asian, 0.95%; 53 homozygotes.

Submissions (3):

Labcorp Genetics (formerly Invitae), Labcorp
Classification: Benign. Last evaluated: 2026-01-06. Review status: criteria provided, single submitter. Criteria: Invitae Variant Classification Sherloc (09022015). Collection method: clinical testing. Allele origin: germline.

Breakthrough Genomics
Classification: Benign. Review status: criteria provided, single submitter. Criteria: ACMG Guidelines, 2015. Collection method: not provided. Allele origin: germline. Inheritance: Unknown mechanism. Affected: yes.

PreventionGenetics, part of Exact Sciences
Classification: Benign for ATP2B4-related condition. Last evaluated: 2019-02-22. Review status: no assertion criteria provided. Collection method: clinical testing. Allele origin: germline. Not counted in ClinVar's aggregate classification.
Comment: This variant is classified as benign based on ACMG/AMP sequence variant interpretation guidelines (Richards et al. 2015 PMID: 25741868, with internal and published modifications).